The following is an entry in ClinVar:

NM_000138.5(FBN1):c.3878G>A (p.Ser1293Asn)

Gene: FBN1 (fibrillin 1; minus strand). Cytogenetic location: 15q21.1.
Variant type: single nucleotide variant.
Coding change: c.3878G>A on transcript NM_000138.5 (MANE Select); coding-DNA position 3878, G replaced by A.
Protein change: p.Ser1293Asn; replaces serine 1293 with asparagine.
Molecular consequence: missense variant.
Genome position (GRCh38, 1-based): chr15:48,481,741, C>T on the plus strand (G>A on the coding strand, the complement: FBN1 is on the minus strand). VCF-style: chr15-48481741-C-T. GRCh37 (hg19) VCF-style: chr15-48773938-C-T.
Other names: c.3878G>A, p.Ser1293Asn (NM_001406716.1); short protein forms S1293N.
Identifiers: ClinVar variation 3074183 (VCV003074183.2), dbSNP rs775904104, ClinGen allele CA051653.

ClinVar aggregate classification (germline): Conflicting classifications of pathogenicity. Review status: criteria provided, conflicting classifications (1 of 4 stars). 2 submissions from 2 submitters: Uncertain significance (1); Likely benign (1). Last evaluated 2025-05-23.

Conditions:
Marfan syndrome (MFS). Also called: MARFAN SYNDROME, TYPE I; Marfan syndrome type 1; Marfan's syndrome; Marfan syndrome, classic; FBN1-Related Marfan Syndrome. Identifiers: Orphanet 284963, Orphanet 558, MedGen C0024796, MONDO:0007947, OMIM 154700.
Familial thoracic aortic aneurysm and aortic dissection (TAAD). Also called: Thoracic aortic aneurysms and dissections. Identifiers: Orphanet 91387, MedGen C4707243, MONDO:0019625.

Allele frequency attached by ClinVar (database versions not stated): gnomAD exomes below 0.00001; ExAC 0.00002.
gnomAD v4.1: 2 of 1,613,690 alleles (0.00012%); highest among the groups gnomAD compares: Admixed American, 0.0033%; no homozygotes.

Submissions (2):

Labcorp Genetics (formerly Invitae), Labcorp
Classification: Likely benign for Marfan syndrome; Familial thoracic aortic aneurysm and aortic dissection. Last evaluated: 2025-05-23. Review status: criteria provided, single submitter. Criteria: Invitae Variant Classification Sherloc (09022015). Collection method: clinical testing. Allele origin: germline.

All of Us Research Program, National Institutes of Health
Classification: Uncertain significance for Marfan syndrome. Last evaluated: 2023-12-01. Review status: criteria provided, single submitter. Criteria: ACMG Guidelines, 2015. Collection method: clinical testing. Allele origin: germline. Inheritance: Autosomal dominant inheritance. Observed: 1 variant allele, 1 heterozygote.
Comment: This study involves interpretation of variants in research participants for the purpose of population health screening. Participant phenotype was not available at the time of variant classification. Additional details can be found in publication PMID: 35346344, PMCID: PMC8962531